The following is an entry in ClinVar:

ClinVar aggregate classification (germline): Uncertain significance. Review status: criteria provided, multiple submitters, no conflicts (2 of 4 stars). 4 submissions from 4 submitters: Uncertain significance (4). Last evaluated 2024-05-13.

Conditions:
Fanconi anemia complementation group P. Also called: SLX4-Related Fanconi Anemia. Identifiers: Orphanet 84, MedGen C3469542, MONDO:0013499, OMIM 613951.
Fanconi anemia (FA). Also called: Fanconi's anemia. Identifiers: Orphanet 84, MedGen C0015625, MeSH D005199, MONDO:0019391.

Allele frequency attached by ClinVar (database versions not stated): gnomAD exomes 0.00001 and 0.00002; TOPMed 0.00002; ExAC 0.00003; gnomAD 0.00005.
gnomAD v4.1: 25 of 1,605,064 alleles (0.0016%); highest among the groups gnomAD compares: Middle Eastern, 0.017%; no homozygotes.

Submissions (4):

Labcorp Genetics (formerly Invitae), Labcorp
Classification: Uncertain significance for Fanconi anemia. Last evaluated: 2024-05-13. Review status: criteria provided, single submitter. Criteria: Invitae Variant Classification Sherloc (09022015). Collection method: clinical testing. Allele origin: germline.
Comment: This sequence change replaces threonine, which is neutral and polar, with methionine, which is neutral and non-polar, at codon 547 of the SLX4 protein (p.Thr547Met). The frequency data for this variant in the population databases is considered unreliable, as metrics indicate poor data quality at this position in the gnomAD database. This variant has not been reported in the literature in individuals affected with SLX4-related conditions. ClinVar contains an entry for this variant (Variation ID: 451488). An algorithm developed to predict the effect of missense changes on protein structure and function (PolyPhen-2) suggests that this variant is likely to be disruptive. In summary, the available evidence is currently insufficient to determine the role of this variant in disease. Therefore, it has been classified as a Variant of Uncertain Significance.

Blueprint Genetics
Classification: Uncertain significance. Last evaluated: 2023-05-24. Review status: criteria provided, single submitter. Criteria: ACMG Guidelines, 2015. Collection method: clinical testing. Allele origin: germline.

Fulgent Genetics
Classification: Uncertain significance for Fanconi anemia complementation group P. Last evaluated: 2021-11-12. Review status: criteria provided, single submitter. Criteria: ACMG Guidelines, 2015. Collection method: clinical testing. Allele origin: unknown.

GeneDx
Classification: Uncertain significance. Last evaluated: 2017-08-22. Review status: criteria provided, single submitter. Criteria: GeneDx Variant Classification (06012015). Collection method: clinical testing. Allele origin: germline. Affected: yes.
Comment: The T547M variant in the SLX4 gene has not been reported previously as a pathogenic variant, nor as a benign variant, to our knowledge. The T547M variant is observed in 2/32454 (0.006%) alleles from individuals of non-Finnish European background, in the ExAC dataset (Lek et al., 2016). The T547M variant is a non-conservative amino acid substitution, which is likely to impact secondary protein structure as these residues differ in polarity, charge, size and/or other properties. This substitution occurs at a position that is not conserved. In silico analysis is inconsistent in its predictions as to whether or not the variant is damaging to the protein structure/function. We interpret T547M as a variant of uncertain significance.

NM_032444.4(SLX4):c.1640C>T (p.Thr547Met)

Gene: SLX4 (SLX4 structure-specific endonuclease subunit; minus strand). Cytogenetic location: 16p13.3.
Variant type: single nucleotide variant.
Coding change: c.1640C>T on transcript NM_032444.4 (MANE Select); coding-DNA position 1640, C replaced by T.
Protein change: p.Thr547Met; replaces threonine 547 with methionine.
Molecular consequence: missense variant.
Genome position (GRCh38, 1-based): chr16:3,597,422, G>A on the plus strand (C>T on the coding strand, the complement: SLX4 is on the minus strand). VCF-style: chr16-3597422-G-A. GRCh37 (hg19) VCF-style: chr16-3647423-G-A.
Other names: c.1640C>T (LRG_503t1); short protein forms T547M.
Identifiers: ClinVar variation 451488 (VCV000451488.12), dbSNP rs755156257, ClinGen allele CA7866466.